The following is an entry in ClinVar:

ClinVar aggregate classification (germline): Pathogenic/Likely pathogenic. Review status: criteria provided, multiple submitters, no conflicts (2 of 4 stars). 2 submissions from 2 submitters: Pathogenic (1); Likely pathogenic (1). Last evaluated 2025-02-25.

Conditions:
Severe global developmental delay. Also called: Severe psychomotor retardation. Identifiers: MedGen C1837397, HP:0011344.
Autistic behavior. Identifiers: MedGen C0856975, HP:0000729.

Submissions (2):

GeneDx
Classification: Pathogenic. Last evaluated: 2025-02-25. Review status: criteria provided, single submitter. Criteria: GeneDx Variant Classification Process June 2021. Collection method: clinical testing. Allele origin: germline. Affected: yes.
Comment: Not observed at significant frequency in large population cohorts (gnomAD); In silico analysis supports that this missense variant has a deleterious effect on protein structure/function; This variant is associated with the following publications: (PMID: 33144682, 29288087, 36579832, 30250039, 32005960, 25356899, 35083747)

Equipe Genetique des Anomalies du Developpement, Université de Bourgogne
Classification: Likely pathogenic for Severe global developmental delay; Autistic behavior. Last evaluated: 2016-05-28. Review status: criteria provided, single submitter. Criteria: ACMG Guidelines, 2015. Collection method: clinical testing. Allele origin: de novo. Affected: yes. Observed: 1 variant allele.

NM_006593.4(TBR1):c.811T>C (p.Trp271Arg)

Gene: TBR1 (T-box brain transcription factor 1; plus strand). Cytogenetic location: 2q24.2.
Variant type: single nucleotide variant.
Coding change: c.811T>C on transcript NM_006593.4 (MANE Select); coding-DNA position 811, T replaced by C.
Protein change: p.Trp271Arg; replaces tryptophan 271 with arginine.
Molecular consequence: missense variant.
Genome position (GRCh38, 1-based): chr2:161,417,794, T>C. VCF-style: chr2-161417794-T-C. GRCh37 (hg19) VCF-style: chr2-162274305-T-C.
Other names: short protein forms W271R.
Identifiers: ClinVar variation 523675 (VCV000523675.3), dbSNP rs1553510301, ClinGen allele CA349212262.